The following is an entry in ClinVar:

ClinVar aggregate classification (germline): Likely pathogenic (1 of 4 stars; one submission).

Submission:

Dasa
Classification: Likely pathogenic. Last evaluated: 2026-03-12. Review status: criteria provided, single submitter. Criteria: DASA Assertion Criteria. Collection method: clinical testing. Allele origin: germline.
Comment: NM_133259.4(LRPPRC):c.199_200del (p.Asp67Tyrfs*10) is a frameshift variant in LRPPRC predicted to alter the reading frame and introduce a premature termination codon and is predicted to result in an absent or altered protein product. Loss of function is an established disease mechanism for LRPPRC-associated disorders. Also, this variant is rare in population databases. Based on the currently available evidence, this variant is classified as likely pathogenic.

NM_133259.4(LRPPRC):c.199_200del (p.Asp67fs)

Gene: LRPPRC (leucine rich pentatricopeptide repeat containing; minus strand). Cytogenetic location: 2p21.
Variant type: Deletion.
Coding change: c.199_200del on transcript NM_133259.4 (MANE Select); coding-DNA positions 199 to 200, 2 bases deleted (GA; older notation c.199_200delGA).
Protein change: p.Asp67fs; shifts the reading frame from aspartic acid 67.
Molecular consequence: frameshift variant.
Genome position (GRCh38, 1-based): chr2:43,982,384-43,982,385, TC deleted on the plus strand (GA on the coding strand, the reverse complement: LRPPRC is on the minus strand); deleting any 2 consecutive bases within chr2:43,982,384-43,982,386 gives the same sequence; the c. name uses the placement nearest the transcript's 3' end. VCF-style (leftmost placement, unchanged base first): chr2-43982383-ATC-A. GRCh37 (hg19) VCF-style: chr2-44209522-ATC-A.
Other names: short protein forms D67fs.
Identifiers: ClinVar variation 4880688 (VCV004880688.2).